The following is an entry in ClinVar:

ClinVar aggregate classification (germline): Uncertain significance (1 of 4 stars; one submission).

gnomAD v4.1: 3 of 1,614,064 alleles (0.00019%); highest among the groups gnomAD compares: Non-Finnish European, 0.00025%; no homozygotes.

Submission:

GeneDx
Classification: Uncertain significance. Last evaluated: 2023-12-06. Review status: criteria provided, single submitter. Criteria: GeneDx Variant Classification Process June 2021. Collection method: clinical testing. Allele origin: germline. Affected: yes.
Comment: Not observed at significant frequency in large population cohorts (gnomAD); In silico analysis supports that this missense variant has a deleterious effect on protein structure/function; Has not been previously published as pathogenic or benign to our knowledge

NM_183357.3(ADCY5):c.3236A>G (p.Asn1079Ser)

Gene: ADCY5 (adenylate cyclase 5; minus strand). Cytogenetic location: 3q21.1.
Variant type: single nucleotide variant.
Coding change: c.3236A>G on transcript NM_183357.3 (MANE Select); coding-DNA position 3236, A replaced by G.
Protein change: p.Asn1079Ser; replaces asparagine 1079 with serine.
Molecular consequence: missense variant.
Genome position (GRCh38, 1-based): chr3:123,291,204, T>C on the plus strand (A>G on the coding strand, the complement: ADCY5 is on the minus strand). VCF-style: chr3-123291204-T-C. GRCh37 (hg19) VCF-style: chr3-123010051-T-C.
Other names: c.2186A>G, p.Asn729Ser (NM_001199642.1); c.3311A>G, p.Asn1104Ser (NM_001378259.1); short protein forms N1079S, N1104S, N729S.
Identifiers: ClinVar variation 3365389 (VCV003365389.1).